The following is an entry in ClinVar:

ClinVar aggregate classification (germline): Uncertain significance (1 of 4 stars; one submission).

Conditions:
Perlman syndrome (PRLMNS). Identifiers: Orphanet 2849, MedGen C0796113, MONDO:0009965, OMIM 267000.

gnomAD v4.1: 1 of 1,613,860 alleles (0.000062%); highest among the groups gnomAD compares: Non-Finnish European, 0.000085%; no homozygotes.

Submission:

Labcorp Genetics (formerly Invitae), Labcorp
Classification: Uncertain significance for Perlman syndrome. Last evaluated: 2021-09-04. Review status: criteria provided, single submitter. Criteria: Invitae Variant Classification Sherloc (09022015). Collection method: clinical testing. Allele origin: germline.
Comment: This variant has not been reported in the literature in individuals affected with DIS3L2-related conditions. Algorithms developed to predict the effect of missense changes on protein structure and function are either unavailable or do not agree on the potential impact of this missense change (SIFT: "Tolerated"; PolyPhen-2: "Possibly Damaging"; Align-GVGD: "Class C0"). In summary, the available evidence is currently insufficient to determine the role of this variant in disease. Therefore, it has been classified as a Variant of Uncertain Significance. This variant is not present in population databases (ExAC no frequency). This sequence change replaces proline with threonine at codon 16 of the DIS3L2 protein (p.Pro16Thr). The proline residue is weakly conserved and there is a small physicochemical difference between proline and threonine.

NM_152383.5(DIS3L2):c.46C>A (p.Pro16Thr)

Gene: DIS3L2 (DIS3 like 3'-5' exoribonuclease 2; plus strand). Cytogenetic location: 2q37.1.
Variant type: single nucleotide variant.
Coding change: c.46C>A on transcript NM_152383.5 (MANE Select); coding-DNA position 46, C replaced by A.
Protein change: p.Pro16Thr; replaces proline 16 with threonine.
Molecular consequence: missense variant. On other transcripts: non-coding transcript variant (2).
Genome position (GRCh38, 1-based): chr2:232,014,973, C>A. VCF-style: chr2-232014973-C-A. GRCh37 (hg19) VCF-style: chr2-232879683-C-A.
Other names: c.46C>A, p.Pro16Thr (NM_001257281.2, NM_001257282.2); short protein forms P16T.
Identifiers: ClinVar variation 957315 (VCV000957315.7), dbSNP rs974812898, ClinGen allele CA67499187.
Genomic context (GRCh38, chr2:232,014,973, plus strand): 5'-ACCTTGGAGCCAATAATGAGCCATCCTGACTACAGAATGAACCTCCGGCCCCTGGGGACC[C>A]CCAGAGGTAGTAAAAGGAAAATGGAGTCTGCCTGAATAACTGGAGAACTGAAATGAAAGT-3'
Protein context (NP_689596.4, residues 6-26): YRMNLRPLGT[Pro16Thr]RGVSAVAGPH